The following is an entry in ClinVar:

ClinVar aggregate classification (germline): Uncertain significance. Review status: criteria provided, multiple submitters, no conflicts (2 of 4 stars). 2 submissions from 2 submitters: Uncertain significance (2). Last evaluated 2025-10-29.

Conditions:
Hereditary cancer-predisposing syndrome. Also called: Neoplastic Syndromes, Hereditary; Tumor predisposition; Hereditary Cancer Syndrome; Hereditary neoplastic syndrome. Identifiers: Orphanet 140162, MedGen C0027672, MeSH D009386, MONDO:0015356.
Rhabdoid tumor predisposition syndrome 2 (RTPS2). Identifiers: Orphanet 231108, Orphanet 69077, MedGen C2750074, MONDO:0013224, OMIM 613325.

gnomAD v4.1: 2 of 1,614,052 alleles (0.00012%); highest among the groups gnomAD compares: Non-Finnish European, 0.00017%; no homozygotes.

Submissions (2):

Ambry Genetics
Classification: Uncertain significance for Hereditary cancer-predisposing syndrome. Last evaluated: 2025-10-29. Review status: criteria provided, single submitter. Criteria: Ambry Variant Classification Scheme 2023. Collection method: clinical testing. Allele origin: germline.
Comment: The p.V829M variant (also known as c.2485G>A), located in coding exon 16 of the SMARCA4 gene, results from a G to A substitution at nucleotide position 2485. The valine at codon 829 is replaced by methionine, an amino acid with highly similar properties. This amino acid position is highly conserved in available vertebrate species. In addition, this alteration is predicted to be deleterious by in silico analysis. Since supporting evidence is limited at this time, the clinical significance of this alteration remains unclear.

Labcorp Genetics (formerly Invitae), Labcorp
Classification: Uncertain significance for Rhabdoid tumor predisposition syndrome 2. Last evaluated: 2025-02-25. Review status: criteria provided, single submitter. Criteria: Invitae Variant Classification Sherloc (09022015). Collection method: clinical testing. Allele origin: germline.
Comment: This sequence change replaces valine, which is neutral and non-polar, with methionine, which is neutral and non-polar, at codon 829 of the SMARCA4 protein (p.Val829Met). This variant is not present in population databases (gnomAD no frequency). This variant has not been reported in the literature in individuals affected with SMARCA4-related conditions. ClinVar contains an entry for this variant (Variation ID: 821367). Invitae Evidence Modeling of protein sequence and biophysical properties (such as structural, functional, and spatial information, amino acid conservation, physicochemical variation, residue mobility, and thermodynamic stability) indicates that this missense variant is expected to disrupt SMARCA4 protein function with a positive predictive value of 95%. In summary, the available evidence is currently insufficient to determine the role of this variant in disease. Therefore, it has been classified as a Variant of Uncertain Significance.

NM_003072.5(SMARCA4):c.2485G>A (p.Val829Met)

Gene: SMARCA4 (SWI/SNF related BAF chromatin remodeling complex subunit ATPase 4; plus strand). Cytogenetic location: 19p13.2.
Variant type: single nucleotide variant.
Coding change: c.2485G>A on transcript NM_003072.5 (MANE Select); coding-DNA position 2485, G replaced by A.
Protein change: p.Val829Met; replaces valine 829 with methionine.
Molecular consequence: missense variant. On other transcripts: non-coding transcript variant (1).
Genome position (GRCh38, 1-based): chr19:11,019,003, G>A. VCF-style: chr19-11019003-G-A. GRCh37 (hg19) VCF-style: chr19-11129679-G-A.
Other names: c.2485G>A, p.Val829Met (NM_001128844.3, NM_001128845.2, NM_001128846.2 and 4 more transcripts); short protein forms V829M.
Identifiers: ClinVar variation 821367 (VCV000821367.8), dbSNP rs1338927115, ClinGen allele CA404053704.
Genomic context (GRCh38, chr19:11,019,003, plus strand): 5'-CCTTGTTCCATCAGAACGCTGTCCAACTGGGCGTACGAGTTTGACAAGTGGGCCCCCTCC[G>A]TGGTGAAGGTGTCTTACAAGGTAGGTCACAGCCACTGAGGTTTCCTCTCTTGCTACGGAG-3'
Protein context (NP_003063.2, residues 819-839): AYEFDKWAPS[Val829Met]VKVSYKGSPA